The following is an entry in ClinVar:

ClinVar aggregate classification (germline): Uncertain significance (1 of 4 stars; one submission).

Conditions:
Leber congenital amaurosis 4 (LCA4). Identifiers: MedGen C1858386, MONDO:0011458, OMIM 604393.

gnomAD v4.1: 1 of 1,608,758 alleles (0.000062%); highest among the groups gnomAD compares: Non-Finnish European, 0.000085%; no homozygotes.

Submission:

Labcorp Genetics (formerly Invitae), Labcorp
Classification: Uncertain significance for Leber congenital amaurosis 4. Last evaluated: 2022-04-28. Review status: criteria provided, single submitter. Criteria: Invitae Variant Classification Sherloc (09022015). Collection method: clinical testing. Allele origin: germline.
Comment: This sequence change replaces arginine, which is basic and polar, with threonine, which is neutral and polar, at codon 306 of the AIPL1 protein (p.Arg306Thr). This variant is not present in population databases (gnomAD no frequency). This variant has not been reported in the literature in individuals affected with AIPL1-related conditions. Algorithms developed to predict the effect of missense changes on protein structure and function (SIFT, PolyPhen-2, Align-GVGD) all suggest that this variant is likely to be tolerated. In summary, the available evidence is currently insufficient to determine the role of this variant in disease. Therefore, it has been classified as a Variant of Uncertain Significance.

NM_014336.5(AIPL1):c.917G>C (p.Arg306Thr)

Gene: AIPL1 (AIP like 1 HSP90 co-chaperone; minus strand). Cytogenetic location: 17p13.2.
Variant type: single nucleotide variant.
Coding change: c.917G>C on transcript NM_014336.5 (MANE Select); coding-DNA position 917, G replaced by C.
Protein change: p.Arg306Thr; replaces arginine 306 with threonine.
Molecular consequence: missense variant. On other transcripts: 3 prime UTR variant (1).
Genome position (GRCh38, 1-based): chr17:6,425,698, C>G on the plus strand (G>C on the coding strand, the complement: AIPL1 is on the minus strand). VCF-style: chr17-6425698-C-G. GRCh37 (hg19) VCF-style: chr17-6329018-C-G.
Other names: c.728G>C, p.Arg243Thr (NM_001033054.3); c.737G>C, p.Arg246Thr (NM_001033055.3); c.881G>C, p.Arg294Thr (NM_001285399.3); c.851G>C, p.Arg284Thr (NM_001285400.3); c.845G>C, p.Arg282Thr (NM_001285401.3); c.800G>C, p.Arg267Thr (NM_001285402.2); c.*888G>C (NM_001285403.4); short protein forms R284T, R282T, R246T, R267T, R306T, R243T, R294T.
Identifiers: ClinVar variation 2131555 (VCV002131555.1), dbSNP rs1307386356, ClinGen allele CA397394655.